The following is an entry in ClinVar:

ClinVar aggregate classification (germline): Benign (1 of 4 stars; one submission).

Conditions:
Leigh syndrome (NULS). Also called: Leigh's necrotizing encephalopathy; Leigh's disease; Leigh's syndrome; LEIGH SYNDROME, NUCLEAR; Leigh Syndrome (mtDNA deletion); Leigh Disease. Identifiers: Orphanet 506, MedGen C2931891, MONDO:0009723, OMIM 256000.

Submission:

Wong Mito Lab, Molecular and Human Genetics, Baylor College of Medicine
Classification: Benign for Leigh syndrome. Last evaluated: 2019-10-17. Review status: criteria provided, single submitter. Criteria: Modified ACMG Guidelines (Unpublished). Collection method: clinical testing. Allele origin: germline.
Comment: The NC_012920.1:m.15077G>A (YP_003024038.1:p.Glu111Lys) variant in MTCYB gene is interpretated to be a Benign variant based on the modified ACMG guidelines (unpublished). This variant meets the following evidence codes: BS1, BS2

Literature cited by the submitters: PubMed 22241583; PubMed 17637808.

NC_012920.1(MT-CYB):m.15077G>A

Gene: MT-CYB (mitochondrially encoded cytochrome b; plus strand).
Variant type: single nucleotide variant.
Genome position: chrM-15077-G-A.
Identifiers: ClinVar variation 693820 (VCV000693820.1), dbSNP rs201943501, ClinGen allele CA337100264.